The following is an entry in ClinVar:

NM_020812.4(DOCK6):c.3282C>T (p.Thr1094=)

Gene: DOCK6 (dedicator of cytokinesis 6; minus strand). Cytogenetic location: 19p13.2.
Variant type: single nucleotide variant.
Coding change: c.3282C>T on transcript NM_020812.4 (MANE Select); coding-DNA position 3282, C replaced by T.
Protein change: p.Thr1094=; no amino-acid change (threonine 1094 retained).
Molecular consequence: synonymous variant.
Genome position (GRCh38, 1-based): chr19:11,222,207, G>A on the plus strand (C>T on the coding strand, the complement: DOCK6 is on the minus strand). VCF-style: chr19-11222207-G-A. GRCh37 (hg19) VCF-style: chr19-11332883-G-A.
Other names: c.3282C>T (NM_020812.3); c.3387C>T, p.Thr1129= (NM_001367830.1).
Identifiers: ClinVar variation 2085810 (VCV002085810.5), dbSNP rs374307163, ClinGen allele CA9207304.

ClinVar aggregate classification (germline): Conflicting classifications of pathogenicity. Review status: criteria provided, conflicting classifications (1 of 4 stars). 2 submissions from 2 submitters: Uncertain significance (1); Likely benign (1). Last evaluated 2025-10-26.

Allele frequency attached by ClinVar (database versions not stated): ESP Exome Variant Server 0.00008; gnomAD 0.00011; TOPMed 0.00014; ExAC 0.00022; gnomAD exomes 0.00026.
gnomAD v4.1: 389 of 1,605,872 alleles (0.024%); highest among the groups gnomAD compares: Non-Finnish European, 0.032%; no homozygotes.

Submissions (2):

Labcorp Genetics (formerly Invitae), Labcorp
Classification: Likely benign. Last evaluated: 2025-10-26. Review status: criteria provided, single submitter. Criteria: Invitae Variant Classification Sherloc (09022015). Collection method: clinical testing. Allele origin: germline.

GeneDx
Classification: Uncertain significance. Last evaluated: 2025-01-23. Review status: criteria provided, single submitter. Criteria: GeneDx Variant Classification Process June 2021. Collection method: clinical testing. Allele origin: germline. Affected: yes.
Comment: In silico analysis indicates that this variant does not alter splicing; Has not been previously published as pathogenic or benign to our knowledge